The following is an entry in ClinVar:

ClinVar aggregate classification (germline): Uncertain significance (1 of 4 stars; one submission).

Conditions:
Rhabdoid tumor predisposition syndrome 2 (RTPS2). Identifiers: Orphanet 231108, Orphanet 69077, MedGen C2750074, MONDO:0013224, OMIM 613325.

Submission:

Labcorp Genetics (formerly Invitae), Labcorp
Classification: Uncertain significance for Rhabdoid tumor predisposition syndrome 2. Last evaluated: 2024-05-31. Review status: criteria provided, single submitter. Criteria: Invitae Variant Classification Sherloc (09022015). Collection method: clinical testing. Allele origin: germline.
Comment: This sequence change falls in intron 20 of the SMARCA4 gene. It does not directly change the encoded amino acid sequence of the SMARCA4 protein. Information on the frequency of this variant in the gnomAD database is not available, as this variant may be reported differently in the database. This variant has not been reported in the literature in individuals affected with SMARCA4-related conditions. Experimental studies and prediction algorithms are not available or were not evaluated, and the effect of this variant on mRNA splicing is currently unknown. In summary, the available evidence is currently insufficient to determine the role of this variant in disease. Therefore, it has been classified as a Variant of Uncertain Significance.

NM_003072.5(SMARCA4):c.2974-9_2974-8delinsTT

Gene: SMARCA4 (SWI/SNF related BAF chromatin remodeling complex subunit ATPase 4; plus strand). Cytogenetic location: 19p13.2.
Variant type: Indel.
Coding change: c.2974-9_2974-8delinsTT on transcript NM_003072.5 (MANE Select); 9 bases into the intron before coding-DNA position 2974 through 8 bases into the intron before coding-DNA position 2974, CC replaced by TT.
Molecular consequence: intron variant.
Genome position (GRCh38, 1-based): chr19:11,024,322-11,024,323, CC replaced by TT. VCF-style: chr19-11024322-CC-TT. GRCh37 (hg19) VCF-style: chr19-11134998-CC-TT.
Other names: c.2974-9_2974-8delinsTT (NM_001128844.3, NM_001128849.3, NM_001128847.4 and 6 more transcripts).
Identifiers: ClinVar variation 2796437 (VCV002796437.2), dbSNP rs2514971778, ClinGen allele CA2739276475.
Genomic context (GRCh38, chr19:11,024,322, plus strand): 5'-GGGTTCGGATGGGGGGAGTCAGGCCTCAAGCCACCTTGGGCCCTCGTGAGCATTATGTGT[CC>TT]CCTGCAGGTGGAGTACGTCATCAAGTGCGACATGTCTGCGCTGCAGCGAGTGCTCTACCG-3'